The following is an entry in ClinVar:

NM_000136.3(FANCC):c.1329+4G>C

Genes: AOPEP (aminopeptidase O (putative); plus strand), FANCC (FA complementation group C; minus strand). Cytogenetic location: 9q22.32.
Variant type: single nucleotide variant.
Coding change: c.1329+4G>C on transcript NM_000136.3 (MANE Select); 4 bases into the intron after coding-DNA position 1329, G replaced by C.
Molecular consequence: intron variant.
Genome position (GRCh38, 1-based): chr9:95,111,459, C>G on the plus strand (G>C on the coding strand, the complement: FANCC is on the minus strand). VCF-style: chr9-95111459-C-G. GRCh37 (hg19) VCF-style: chr9-97873741-C-G.
Other names: c.1329+4G>C (NM_001243743.2, NM_001243744.2).
Identifiers: ClinVar variation 1770066 (VCV001770066.3), dbSNP rs2540881801, ClinGen allele CA2580080858.
Genomic context (GRCh38, chr9:95,111,459, plus strand): 5'-CTGCAAGCTCCTCTCAGCCCCCCAGAGCCCACCCCAAACACATGCAGTGGGGCCTGCTAC[C>G]CACCATAGTCTGTGCTCTCTGCTGCCTCCCATCACGGGGGCCGTAGTAGAAGGCCAAGAG-3'

ClinVar aggregate classification (germline): Uncertain significance (1 of 4 stars; one submission).

Conditions:
Hereditary cancer-predisposing syndrome. Also called: Tumor predisposition; Hereditary Cancer Syndrome; Hereditary neoplastic syndrome; Neoplastic Syndromes, Hereditary. Identifiers: Orphanet 140162, MedGen C0027672, MeSH D009386, MONDO:0015356.

Submission:

Ambry Genetics
Classification: Uncertain significance for Hereditary cancer-predisposing syndrome. Last evaluated: 2026-02-02. Review status: criteria provided, single submitter. Criteria: Ambry Variant Classification Scheme 2023. Collection method: clinical testing. Allele origin: germline.
Comment: The c.1329+4G>C intronic variant results from a G to C substitution 4 nucleotides after coding exon 12 in the FANCC gene. This nucleotide position is not well conserved in available vertebrate species. In silico splice site analysis predicts that this alteration will not have any significant effect on splicing. Based on the available evidence, the clinical significance of this variant remains unclear.